The following is an entry in ClinVar:

NM_000038.6(APC):c.3824G>A (p.Ser1275Asn)

Gene: APC (APC regulator of Wnt signaling pathway; plus strand). Cytogenetic location: 5q22.2.
Variant type: single nucleotide variant.
Coding change: c.3824G>A on transcript NM_000038.6 (MANE Select); coding-DNA position 3824, G replaced by A.
Protein change: p.Ser1275Asn; replaces serine 1275 with asparagine.
Molecular consequence: missense variant.
Genome position (GRCh38, 1-based): chr5:112,839,418, G>A. VCF-style: chr5-112839418-G-A. GRCh37 (hg19) VCF-style: chr5-112175115-G-A.
Other names: c.3824G>A, p.Ser1275Asn (NM_001127510.3, NM_001354895.2, NM_001407450.1); c.3770G>A, p.Ser1257Asn (NM_001127511.3); c.3878G>A, p.Ser1293Asn (NM_001354896.2, NM_001407447.1, NM_001407448.1 and 1 more transcripts); c.3854G>A, p.Ser1285Asn (NM_001354897.2); c.3749G>A, p.Ser1250Asn (NM_001354898.2); c.3740G>A, p.Ser1247Asn (NM_001354899.2); c.3701G>A, p.Ser1234Asn (NM_001354900.2); c.3647G>A, p.Ser1216Asn (NM_001354901.2, NM_001407453.1); and 11 more; short protein forms S1149N, S1216N, S1250N, S1115N, S1146N, S1234N, S1285N, S1174N.
Identifiers: ClinVar variation 2006038 (VCV002006038.4), dbSNP rs587781637, ClinGen allele CA16029722.

ClinVar aggregate classification (germline): Uncertain significance (1 of 4 stars; one submission).

Conditions:
Familial adenomatous polyposis 1 (FAP1). Also called: POLYPOSIS, ADENOMATOUS INTESTINAL; FAMILIAL ADENOMATOUS POLYPOSIS 1, ATTENUATED. Identifiers: MedGen C2713442, MONDO:0021056, OMIM 175100. Disease mechanism: loss of function.

Submission:

Labcorp Genetics (formerly Invitae), Labcorp
Classification: Uncertain significance for Familial adenomatous polyposis 1. Last evaluated: 2025-07-17. Review status: criteria provided, single submitter. Criteria: Invitae Variant Classification Sherloc (09022015). Collection method: clinical testing. Allele origin: germline.
Comment: This sequence change replaces serine, which is neutral and polar, with asparagine, which is neutral and polar, at codon 1275 of the APC protein (p.Ser1275Asn). This variant is not present in population databases (gnomAD no frequency). This variant has not been reported in the literature in individuals affected with APC-related conditions. ClinVar contains an entry for this variant (Variation ID: 2006038). Invitae Evidence Modeling of protein sequence and biophysical properties (such as structural, functional, and spatial information, amino acid conservation, physicochemical variation, residue mobility, and thermodynamic stability) indicates that this missense variant is not expected to disrupt APC protein function with a negative predictive value of 95%. In summary, the available evidence is currently insufficient to determine the role of this variant in disease. Therefore, it has been classified as a Variant of Uncertain Significance.